The following is an entry in ClinVar:

ClinVar aggregate classification (germline): Likely benign (1 of 4 stars; one submission).

Conditions:
TTC21B-related disorder. Also called: TTC21B-related condition; TTC21B-related disorders.

Submission:

PreventionGenetics, part of Exact Sciences
Classification: Likely benign for TTC21B-related condition. Last evaluated: 2026-07-23. Review status: criteria provided, single submitter. Criteria: ACMG Guidelines, 2015. Collection method: clinical testing. Allele origin: germline.
Comment: This variant is classified as likely benign based on ACMG/AMP sequence variant interpretation guidelines (Richards et al. 2015 PMID: 25741868, with internal and published modifications).

NM_024753.5(TTC21B):c.*2A>G

Genes: TTC21B (tetratricopeptide repeat domain 21B; minus strand), LOC129935046 (ATAC-STARR-seq lymphoblastoid active region 16728; plus strand). Cytogenetic location: 2q24.3.
Variant type: single nucleotide variant.
Coding change: c.*2A>G on transcript NM_024753.5 (MANE Select); 2 bases downstream of the stop codon, A replaced by G.
Molecular consequence: 3 prime UTR variant.
Genome position (GRCh38, 1-based): chr2:165,874,753, T>C on the plus strand (A>G on the coding strand, the complement: TTC21B is on the minus strand). VCF-style: chr2-165874753-T-C. GRCh37 (hg19) VCF-style: chr2-166731263-T-C.
Identifiers: ClinVar variation 4992529 (VCV004992529.1).